The following is an entry in ClinVar:

NM_015346.4(ZFYVE26):c.6846_6847del (p.Thr2283fs)

Gene: ZFYVE26 (zinc finger FYVE-type containing 26; minus strand). Cytogenetic location: 14q24.1.
Variant type: Microsatellite.
Coding change: c.6846_6847del on transcript NM_015346.4 (MANE Select); coding-DNA positions 6846 to 6847, 2 bases deleted (TA; older notation c.6846_6847delTA).
Protein change: p.Thr2283fs; shifts the reading frame from threonine 2283.
Molecular consequence: frameshift variant.
Genome position (GRCh38, 1-based): chr14:67,755,190-67,755,191, TA deleted on the plus strand (TA on the coding strand, the reverse complement: ZFYVE26 is on the minus strand); deleting any 2 consecutive bases within chr14:67,755,190-67,755,194 gives the same sequence; the c. name uses the placement nearest the transcript's 3' end. VCF-style (leftmost placement, unchanged base first): chr14-67755189-GTA-G. GRCh37 (hg19) VCF-style: chr14-68221906-GTA-G.
Other names: short protein forms T2283fs.
Identifiers: ClinVar variation 2746514 (VCV002746514.3), dbSNP rs2503941404, ClinGen allele CA2697553992.

ClinVar aggregate classification (germline): Pathogenic (1 of 4 stars; one submission).

Conditions:
Spastic paraplegia. Identifiers: MedGen C0037772, HP:0001258.

Submission:

Labcorp Genetics (formerly Invitae), Labcorp
Classification: Pathogenic for Spastic paraplegia. Last evaluated: 2023-07-25. Review status: criteria provided, single submitter. Criteria: Invitae Variant Classification Sherloc (09022015). Collection method: clinical testing. Allele origin: germline.
Comment: This variant is not present in population databases (gnomAD no frequency). This variant has not been reported in the literature in individuals affected with ZFYVE26-related conditions. For these reasons, this variant has been classified as Pathogenic. This sequence change creates a premature translational stop signal (p.Thr2283Argfs*11) in the ZFYVE26 gene. It is expected to result in an absent or disrupted protein product. Loss-of-function variants in ZFYVE26 are known to be pathogenic (PMID: 18394578, 19805727).

Literature cited by the submitters: PubMed 18394578; PubMed 19805727.